The following is an entry in ClinVar:

ClinVar aggregate classification (germline): Uncertain significance. Review status: criteria provided, multiple submitters, no conflicts (2 of 4 stars). 4 submissions from 4 submitters: Uncertain significance (4). Last evaluated 2024-12-22.

Conditions:
Hereditary cancer-predisposing syndrome. Also called: Neoplastic Syndromes, Hereditary; Tumor predisposition; Hereditary Cancer Syndrome; Hereditary neoplastic syndrome. Identifiers: Orphanet 140162, MedGen C0027672, MeSH D009386, MONDO:0015356.
Hereditary breast ovarian cancer syndrome. Also called: Hereditary breast and ovarian cancer syndrome; BRCA1- and BRCA2-Associated Hereditary Breast and Ovarian Cancer; Breast and ovarian cancer; Hereditary breast and/or ovarian cancer syndrome; Hereditary breast and ovarian cancer; Hereditary breast and ovarian cancer syndrome (HBOC). Identifiers: Orphanet 145, MedGen C0677776, MeSH D061325, MONDO:0003582. Disease mechanism: loss of function.

gnomAD v4.1: 1 of 1,614,186 alleles (0.000062%); highest among the groups gnomAD compares: African/African-American, 0.0013%; no homozygotes.

Submissions (4):

Labcorp Genetics (formerly Invitae), Labcorp
Classification: Uncertain significance for Hereditary breast ovarian cancer syndrome. Last evaluated: 2024-12-22. Review status: criteria provided, single submitter. Criteria: Invitae Variant Classification Sherloc (09022015). Collection method: clinical testing. Allele origin: germline.
Comment: This sequence change replaces glutamine, which is neutral and polar, with glutamic acid, which is acidic and polar, at codon 2499 of the BRCA2 protein (p.Gln2499Glu). This variant is not present in population databases (gnomAD no frequency). This variant has not been reported in the literature in individuals affected with BRCA2-related conditions. ClinVar contains an entry for this variant (Variation ID: 233498). Invitae Evidence Modeling of protein sequence and biophysical properties (such as structural, functional, and spatial information, amino acid conservation, physicochemical variation, residue mobility, and thermodynamic stability) indicates that this missense variant is not expected to disrupt BRCA2 protein function with a negative predictive value of 95%. In summary, the available evidence is currently insufficient to determine the role of this variant in disease. Therefore, it has been classified as a Variant of Uncertain Significance.

GeneDx
Classification: Uncertain significance. Last evaluated: 2020-11-06. Review status: criteria provided, single submitter. Criteria: GeneDx Variant Classification Process June 2021. Collection method: clinical testing. Allele origin: germline. Affected: yes.
Comment: Not observed in large population cohorts (Lek et al., 2016); In silico analysis supports that this missense variant does not alter protein structure/function; Has not been previously published as pathogenic or benign to our knowledge; Also known as c.7723C>G

Quest Diagnostics Nichols Institute San Juan Capistrano
Classification: Uncertain significance. Last evaluated: 2019-06-12. Review status: criteria provided, single submitter. Criteria: Quest Diagnostics criteria. Collection method: clinical testing. Allele origin: germline.

Ambry Genetics
Classification: Uncertain significance for Hereditary cancer-predisposing syndrome. Last evaluated: 2015-08-15. Review status: criteria provided, single submitter. Criteria: Ambry Variant Classification Scheme 2023. Collection method: clinical testing. Allele origin: germline.
Comment: The p.Q2499E variant (also known as c.7495C>G and 7723C>G), located in coding exon 14 of the BRCA2 gene, results from a C to G substitution at nucleotide position 7495. The glutamine at codon 2499 is replaced by glutamic acid, an amino acid with highly similar properties. This variant was not reported in population based cohorts in the following databases: Database of Single Nucleotide Polymorphisms (dbSNP), NHLBI Exome Sequencing Project (ESP), and 1000 Genomes Project. In the ESP, this variant was not observed in 6503 samples (13006 alleles) with coverage at this position. To date, this alteration has been detected with an allele frequency of approximately 0.001% (greater than 150000 alleles tested) in our clinical cohort. This amino acid position is not well conserved in available vertebrate species. In addition, this alteration is predicted to be tolerated by in silico analysis. Since supporting evidence is limited at this time, the clinical significance of p.Q2499E remains unclear.

NM_000059.4(BRCA2):c.7495C>G (p.Gln2499Glu)

Gene: BRCA2 (BRCA2 DNA repair associated; plus strand). Cytogenetic location: 13q13.1.
Variant type: single nucleotide variant.
Coding change: c.7495C>G on transcript NM_000059.4 (MANE Select); coding-DNA position 7495, C replaced by G.
Protein change: p.Gln2499Glu; replaces glutamine 2499 with glutamic acid.
Molecular consequence: missense variant.
Genome position (GRCh38, 1-based): chr13:32,356,487, C>G. VCF-style: chr13-32356487-C-G. GRCh37 (hg19) VCF-style: chr13-32930624-C-G.
Other names: short protein forms Q2499E.
Identifiers: ClinVar variation 233498 (VCV000233498.11), dbSNP rs876660447, ClinGen allele CA10579739.